The following is an entry in ClinVar:

NM_006767.4(LZTR1):c.22G>C (p.Gly8Arg)

Genes: LZTR1 (leucine zipper like post translational regulator 1; plus strand), LOC130067016 (ATAC-STARR-seq lymphoblastoid silent region 13504; plus strand). Cytogenetic location: 22q11.21.
Variant type: single nucleotide variant.
Coding change: c.22G>C on transcript NM_006767.4 (MANE Select); coding-DNA position 22, G replaced by C.
Protein change: p.Gly8Arg; replaces glycine 8 with arginine.
Molecular consequence: missense variant.
Genome position (GRCh38, 1-based): chr22:20,982,393, G>C. VCF-style: chr22-20982393-G-C. GRCh37 (hg19) VCF-style: chr22-21336682-G-C.
Other names: short protein forms G8R.
Identifiers: ClinVar variation 1496147 (VCV001496147.16), dbSNP rs575193991, ClinGen allele CA10118267.

ClinVar aggregate classification (germline): Uncertain significance. Review status: criteria provided, multiple submitters, no conflicts (2 of 4 stars). 6 submissions from 6 submitters: Uncertain significance (6). Last evaluated 2025-12-03.

Conditions:
Hereditary cancer-predisposing syndrome. Also called: Tumor predisposition; Hereditary neoplastic syndrome; Neoplastic Syndromes, Hereditary; Hereditary Cancer Syndrome. Identifiers: Orphanet 140162, MedGen C0027672, MeSH D009386, MONDO:0015356.
Cardiovascular phenotype. Identifiers: MedGen CN230736.
Noonan syndrome 2 (NS2). Identifiers: Orphanet 648, MedGen C1854469, MONDO:0011531, OMIM 605275.
LZTR1-related schwannomatosis. Also called: Schwannomatosis 2; Schwannomatosis-2, susceptibility to. Identifiers: Orphanet 93921, MedGen C3810283, MONDO:0014299, OMIM 615670.
Noonan syndrome 10 (NS10). Identifiers: Orphanet 648, MedGen C4225280, MONDO:0014693, OMIM 616564.

gnomAD v4.1: 18 of 1,559,652 alleles (0.0012%); highest among the groups gnomAD compares: Admixed American, 0.0096%; no homozygotes.

Submissions (6):

Labcorp Genetics (formerly Invitae), Labcorp
Classification: Uncertain significance. Last evaluated: 2025-12-03. Review status: criteria provided, single submitter. Criteria: Invitae Variant Classification Sherloc (09022015). Collection method: clinical testing. Allele origin: germline.
Comment: This sequence change replaces glycine, which is neutral and non-polar, with arginine, which is basic and polar, at codon 8 of the LZTR1 protein (p.Gly8Arg). This variant is present in population databases (rs575193991, gnomAD 0.02%). This variant has not been reported in the literature in individuals affected with LZTR1-related conditions. ClinVar contains an entry for this variant (Variation ID: 1496147). Invitae Evidence Modeling of protein sequence and biophysical properties (such as structural, functional, and spatial information, amino acid conservation, physicochemical variation, residue mobility, and thermodynamic stability) indicates that this missense variant is not expected to disrupt LZTR1 protein function with a negative predictive value of 95%. In summary, the available evidence is currently insufficient to determine the role of this variant in disease. Therefore, it has been classified as a Variant of Uncertain Significance.

Ambry Genetics
Classification: Uncertain significance for Cardiovascular phenotype; Hereditary cancer-predisposing syndrome. Last evaluated: 2024-12-20. Review status: criteria provided, single submitter. Criteria: Ambry Variant Classification Scheme 2023. Collection method: clinical testing. Allele origin: germline.
Comment: The p.G8R variant (also known as c.22G>C), located in coding exon 1 of the LZTR1 gene, results from a G to C substitution at nucleotide position 22. The glycine at codon 8 is replaced by arginine, an amino acid with dissimilar properties. This amino acid position is highly conserved in available vertebrate species. In addition, this alteration is predicted to be tolerated by in silico analysis. Since supporting evidence is limited at this time, the clinical significance of this alteration remains unclear.

Fulgent Genetics
Classification: Uncertain significance for Noonan syndrome 2; LZTR1-related schwannomatosis; Noonan syndrome 10. Last evaluated: 2024-04-02. Review status: criteria provided, single submitter. Criteria: ACMG Guidelines, 2015. Collection method: clinical testing. Allele origin: germline.

Baylor Genetics
Classification: Uncertain significance for LZTR1-related schwannomatosis. Last evaluated: 2023-09-29. Review status: criteria provided, single submitter. Criteria: ACMG Guidelines, 2015. Collection method: clinical testing. Allele origin: unknown.

St. Jude Molecular Pathology, St. Jude Children's Research Hospital
Classification: Uncertain significance for Noonan syndrome 10. Last evaluated: 2023-03-31. Review status: criteria provided, single submitter. Criteria: St. Jude Assertion Criteria 2020. Collection method: clinical testing. Allele origin: germline.
Comment: The LZTR1 c.22G>C (p.Gly8Arg) missense change has a maximum frequency of 0.023% in gnomAD v2.1.1. The in silico tool REVEL predicts a benign effect on protein function, but to our knowledge this prediction has not been confirmed by functional studies. To our knowledge, this variant has not been reported in individuals with Noonan syndrome or schwannomatosis. In summary, the evidence currently available is insufficient to determine the clinical significance of this variant. It has therefore been classified as of uncertain significance.??

GeneDx
Classification: Uncertain significance. Last evaluated: 2022-12-29. Review status: criteria provided, single submitter. Criteria: GeneDx Variant Classification Process June 2021. Collection method: clinical testing. Allele origin: germline. Affected: yes.
Comment: Not observed at significant frequency in large population cohorts (gnomAD); In silico analysis supports that this missense variant does not alter protein structure/function; Has not been previously published as pathogenic or benign to our knowledge